The following is an entry in ClinVar:

NM_000256.3(MYBPC3):c.3717G>T (p.Glu1239Asp)

Gene: MYBPC3 (myosin binding protein C3; minus strand). Cytogenetic location: 11p11.2.
Variant type: single nucleotide variant.
Coding change: c.3717G>T on transcript NM_000256.3 (MANE Select); coding-DNA position 3717, G replaced by T.
Protein change: p.Glu1239Asp; replaces glutamic acid 1239 with aspartic acid.
Molecular consequence: missense variant.
Genome position (GRCh38, 1-based): chr11:47,332,169, C>A on the plus strand (G>T on the coding strand, the complement: MYBPC3 is on the minus strand). VCF-style: chr11-47332169-C-A. GRCh37 (hg19) VCF-style: chr11-47353720-C-A.
Other names: short protein forms E1239D.
Identifiers: ClinVar variation 3400418 (VCV003400418.1).

ClinVar aggregate classification (germline): Uncertain significance (1 of 4 stars; one submission).

Conditions:
Cardiovascular phenotype. Identifiers: MedGen CN230736.

gnomAD v4.1: 1 of 1,613,862 alleles (0.000062%); highest among the groups gnomAD compares: East Asian, 0.0022%; no homozygotes.

Submission:

Ambry Genetics
Classification: Uncertain significance for Cardiovascular phenotype. Last evaluated: 2024-08-23. Review status: criteria provided, single submitter. Criteria: Ambry Variant Classification Scheme 2023. Collection method: clinical testing. Allele origin: germline.
Comment: The p.E1239D variant (also known as c.3717G>T), located in coding exon 33 of the MYBPC3 gene, results from a G to T substitution at nucleotide position 3717. The glutamic acid at codon 1239 is replaced by aspartic acid, an amino acid with highly similar properties. This amino acid position is conserved. In addition, the in silico prediction for this alteration is inconclusive. Based on the available evidence, the clinical significance of this variant remains unclear.